The following is an entry in ClinVar:

ClinVar aggregate classification (germline): Conflicting classifications of pathogenicity. Review status: criteria provided, conflicting classifications (1 of 4 stars). 6 submissions from 6 submitters: Uncertain significance (1); Likely benign (5). Last evaluated 2026-03-23.

Conditions:
Osteogenesis imperfecta type I (OI1). Also called: OI, TYPE I; OSTEOGENESIS IMPERFECTA TARDA; OSTEOGENESIS IMPERFECTA WITH BLUE SCLERAE; Osteogenesis imperfecta type 1; Lobstein disease; Lobstein's Disease. Identifiers: Orphanet 216796, Orphanet 666, MedGen C0023931, MONDO:0008146, OMIM 166200. Disease mechanism: loss of function.
Cardiovascular phenotype. Identifiers: MedGen CN230736.
COL1A1-related disorder. Also called: COL1A1- related disease; COL1A1-related condition.

Allele frequency attached by ClinVar (database versions not stated): gnomAD 0.00003; ExAC 0.00019.
gnomAD v4.1: 60 of 1,614,038 alleles (0.0037%); highest among the groups gnomAD compares: Admixed American, 0.073%; no homozygotes.

Submissions (6):

PreventionGenetics, part of Exact Sciences
Classification: Likely benign for COL1A1-related condition. Last evaluated: 2026-03-23. Review status: criteria provided, single submitter. Criteria: ACMG Guidelines, 2015. Collection method: clinical testing. Allele origin: germline.
Comment: This variant is classified as likely benign based on ACMG/AMP sequence variant interpretation guidelines (Richards et al. 2015 PMID: 25741868, with internal and published modifications).

Labcorp Genetics (formerly Invitae), Labcorp
Classification: Likely benign for Osteogenesis imperfecta type I. Last evaluated: 2025-11-09. Review status: criteria provided, single submitter. Criteria: Invitae Variant Classification Sherloc (09022015). Collection method: clinical testing. Allele origin: germline.

Mayo Clinic Laboratories, Mayo Clinic
Classification: Likely benign. Last evaluated: 2025-06-10. Review status: criteria provided, single submitter. Criteria: ACMG Guidelines, 2015. Collection method: clinical testing. Allele origin: germline. Observed: 2 variant alleles.
Comment: BS1, PP3

Ambry Genetics
Classification: Likely benign for Cardiovascular phenotype. Last evaluated: 2025-01-13. Review status: criteria provided, single submitter. Criteria: Ambry Variant Classification Scheme 2023. Collection method: clinical testing. Allele origin: germline.

Women's Health and Genetics/Laboratory Corporation of America, LabCorp
Classification: Likely benign. Last evaluated: 2024-08-28. Review status: criteria provided, single submitter. Criteria: LabCorp Variant Classification Summary - May 2015. Collection method: clinical testing. Allele origin: germline.

GeneDx
Classification: Uncertain significance. Last evaluated: 2022-12-07. Review status: criteria provided, single submitter. Criteria: GeneDx Variant Classification Process June 2021. Collection method: clinical testing. Allele origin: germline. Affected: yes.
Comment: Has not been previously published as pathogenic or benign to our knowledge; In silico analysis supports that this missense variant has a deleterious effect on protein structure/function; Not located in the triple helical region, where the majority of pathogenic missense variants occur (HGMD)

NM_000088.4(COL1A1):c.325G>C (p.Gly109Arg)

Gene: COL1A1 (collagen type I alpha 1 chain; minus strand). Cytogenetic location: 17q21.33.
Variant type: single nucleotide variant.
Coding change: c.325G>C on transcript NM_000088.4 (MANE Select); coding-DNA position 325, G replaced by C.
Protein change: p.Gly109Arg; replaces glycine 109 with arginine.
Molecular consequence: missense variant.
Genome position (GRCh38, 1-based): chr17:50,199,564, C>G on the plus strand (G>C on the coding strand, the complement: COL1A1 is on the minus strand). VCF-style: chr17-50199564-C-G. GRCh37 (hg19) VCF-style: chr17-48276925-C-G.
Other names: p.Gly109Arg; short protein forms G109R.
Identifiers: ClinVar variation 702584 (VCV000702584.16), dbSNP rs762315953, ClinGen allele CA8645758.
Genomic context (GRCh38, chr17:50,199,564, plus strand): 5'-CTGTGAGGAGTCACGGGCCGCGCAGGGGCAAAATTCGAGGGCAGGAGATTACCTCGACGC[C>G]GGTGGTTTCTTGGTCGGTGGGTGACTCTAGGGGACGAAGAGACGCGCGTTAGAGCCAAGG-3'
Protein context (NP_000079.2, residues 99-119): SESPTDQETT[Gly109Arg]VEGPKGDTGP